The following is an entry in ClinVar:

ClinVar aggregate classification (germline): Pathogenic (1 of 4 stars; one submission).

Conditions:
MHC class I deficiency. Identifiers: Orphanet 34592, MedGen C6024714, MONDO:0011476.

Allele frequency attached by ClinVar (database versions not stated): gnomAD exomes 0.00001.

Submission:

Labcorp Genetics (formerly Invitae), Labcorp
Classification: Pathogenic for MHC class I deficiency 1. Last evaluated: 2022-04-12. Review status: criteria provided, single submitter. Criteria: Invitae Variant Classification Sherloc (09022015). Collection method: clinical testing. Allele origin: germline.
Comment: This variant has not been reported in the literature in individuals affected with TAP1-related conditions. This variant is not present in population databases (gnomAD no frequency). This sequence change creates a premature translational stop signal (p.Leu172*) in the TAP1 gene. It is expected to result in an absent or disrupted protein product. Loss-of-function variants in TAP1 are known to be pathogenic (PMID: 10074494, 10074495). For these reasons, this variant has been classified as Pathogenic. Algorithms developed to predict the effect of sequence changes on RNA splicing suggest that this variant may create or strengthen a splice site.

Literature cited by the submitters: PubMed 10074494; PubMed 10074495.

NM_000593.6(TAP1):c.335T>A (p.Leu112Ter)

Gene: TAP1 (transporter 1, ATP binding cassette subfamily B member; minus strand). Cytogenetic location: 6p21.32.
Variant type: single nucleotide variant.
Coding change: c.335T>A on transcript NM_000593.6 (MANE Select); coding-DNA position 335, T replaced by A.
Protein change: p.Leu112Ter; replaces leucine 112 with a stop codon.
Molecular consequence: nonsense.
Genome position (GRCh38, 1-based): chr6:32,853,302, A>T on the plus strand (T>A on the coding strand, the complement: TAP1 is on the minus strand). VCF-style: chr6-32853302-A-T. GRCh37 (hg19) VCF-style: chr6-32821079-A-T.
Other names: short protein forms L112*.
Identifiers: ClinVar variation 2096743 (VCV002096743.4), dbSNP rs2483185391, ClinGen allele CA363582466.